The following is an entry in ClinVar:

ClinVar aggregate classification (germline): Conflicting classifications of pathogenicity. Review status: criteria provided, conflicting classifications (1 of 4 stars). 3 submissions from 3 submitters: Uncertain significance (2); Likely benign (1). Last evaluated 2026-02-02.

Conditions:
Polyps, multiple and recurrent inflammatory fibroid, gastrointestinal. Identifiers: MedGen C5193005, MONDO:0008285, OMIM 175510.
Hereditary cancer-predisposing syndrome. Also called: Hereditary neoplastic syndrome; Neoplastic Syndromes, Hereditary; Hereditary Cancer Syndrome; Tumor predisposition. Identifiers: Orphanet 140162, MedGen C0027672, MeSH D009386, MONDO:0015356.
Gastrointestinal stromal tumor. Also called: Gastrointestinal stromal tumor, somatic; Gastrointestinal stroma tumor. Identifiers: Orphanet 44890, MedGen C0238198, MeSH D046152, MONDO:0011719, OMIM 606764, HP:0100723.

Allele frequency attached by ClinVar (database versions not stated): TOPMed below 0.00001.
gnomAD v4.1: 4 of 1,614,062 alleles (0.00025%); highest among the groups gnomAD compares: African/African-American, 0.0013%; no homozygotes.

Submissions (3):

Labcorp Genetics (formerly Invitae), Labcorp
Classification: Uncertain significance for Gastrointestinal stromal tumor. Last evaluated: 2026-02-02. Review status: criteria provided, single submitter. Criteria: Invitae Variant Classification Sherloc (09022015). Collection method: clinical testing. Allele origin: germline.
Comment: This sequence change replaces valine, which is neutral and non-polar, with leucine, which is neutral and non-polar, at codon 168 of the PDGFRA protein (p.Val168Leu). This variant is present in population databases (no rsID available, gnomAD 0.007%). This variant has not been reported in the literature in individuals affected with PDGFRA-related conditions. ClinVar contains an entry for this variant (Variation ID: 567533). An algorithm developed to predict the effect of missense changes on protein structure and function (PolyPhen-2) suggests that this variant is likely to be tolerated. In summary, the available evidence is currently insufficient to determine the role of this variant in disease. Therefore, it has been classified as a Variant of Uncertain Significance.

Ambry Genetics
Classification: Likely benign for Hereditary cancer-predisposing syndrome. Last evaluated: 2025-02-13. Review status: criteria provided, single submitter. Criteria: Ambry Variant Classification Scheme 2023. Collection method: clinical testing. Allele origin: germline.

Baylor Genetics
Classification: Uncertain significance for Polyps, multiple and recurrent inflammatory fibroid, gastrointestinal. Last evaluated: 2023-08-15. Review status: criteria provided, single submitter. Criteria: ACMG Guidelines, 2015. Collection method: clinical testing. Allele origin: unknown.

NM_006206.6(PDGFRA):c.502G>C (p.Val168Leu)

Gene: PDGFRA (platelet derived growth factor receptor alpha; plus strand). Cytogenetic location: 4q12.
Variant type: single nucleotide variant.
Coding change: c.502G>C on transcript NM_006206.6 (MANE Select); coding-DNA position 502, G replaced by C.
Protein change: p.Val168Leu; replaces valine 168 with leucine.
Molecular consequence: missense variant.
Genome position (GRCh38, 1-based): chr4:54,263,801, G>C. VCF-style: chr4-54263801-G-C. GRCh37 (hg19) VCF-style: chr4-55129968-G-C.
Other names: c.502G>C, p.Val168Leu (NM_001347827.2, NM_001347829.2); c.577G>C, p.Val193Leu (NM_001347828.2); c.541G>C, p.Val181Leu (NM_001347830.2); short protein forms V168L, V181L, V193L.
Identifiers: ClinVar variation 567533 (VCV000567533.14), dbSNP rs752270672, ClinGen allele CA356889961.
Genomic context (GRCh38, chr4:54,263,801, plus strand): 5'-ATACCTTGTCGCACAACTGATCCCGAGACTCCTGTAACCTTACACAACAGTGAGGGGGTG[G>C]TACCTGCCTCCTACGACAGCAGACAGGGCTTTAATGGGACCTTCACTGTAGGGCCCTATA-3'
Protein context (NP_006197.1, residues 158-178): PVTLHNSEGV[Val168Leu]PASYDSRQGF